The following is an entry in ClinVar:

ClinVar aggregate classification (germline): Likely benign. Review status: criteria provided, single submitter (1 of 4 stars). 2 submissions from 2 submitters: Likely benign (1). 1 of the submissions does not count toward it. Last evaluated 2024-11-19.

Conditions:
IRF3-related disorder. Also called: IRF3-related condition.

Allele frequency attached by ClinVar (database versions not stated): gnomAD exomes 0.00013; gnomAD 0.00021; TOPMed 0.00026; ExAC 0.00083; 1000 Genomes Project 30x 0.00141; 1000 Genomes Project 0.00180.
gnomAD v4.1: 226 of 1,566,622 alleles (0.014%); highest among the groups gnomAD compares: East Asian, 0.35%; 1 homozygote.

Submissions (2):

Blueprint Genetics
Classification: Likely benign. Last evaluated: 2024-11-19. Review status: criteria provided, single submitter. Criteria: ACMG Guidelines, 2015. Collection method: clinical testing. Allele origin: germline.

PreventionGenetics, part of Exact Sciences
Classification: Benign for IRF3-related condition. Last evaluated: 2019-06-17. Review status: no assertion criteria provided. Collection method: clinical testing. Allele origin: germline. Not counted in ClinVar's aggregate classification.
Comment: This variant is classified as benign based on ACMG/AMP sequence variant interpretation guidelines (Richards et al. 2015 PMID: 25741868, with internal and published modifications).

NM_001571.6(IRF3):c.523A>G (p.Ser175Gly)

Gene: IRF3 (interferon regulatory factor 3; minus strand). Cytogenetic location: 19q13.33.
Variant type: single nucleotide variant.
Coding change: c.523A>G on transcript NM_001571.6 (MANE Select); coding-DNA position 523, A replaced by G.
Protein change: p.Ser175Gly; replaces serine 175 with glycine.
Molecular consequence: missense variant. On other transcripts: non-coding transcript variant (1).
Genome position (GRCh38, 1-based): chr19:49,662,503, T>C on the plus strand (A>G on the coding strand, the complement: IRF3 is on the minus strand). VCF-style: chr19-49662503-T-C. GRCh37 (hg19) VCF-style: chr19-50165760-T-C.
Other names: c.523A>G, p.Ser175Gly (NM_001197122.2, NM_001197124.2); c.418A>G, p.Ser140Gly (NM_001197123.2); c.85A>G, p.Ser29Gly (NM_001197125.2, NM_001197126.2, NM_001197127.2 and 1 more transcripts); short protein forms S140G, S175G, S29G.
Identifiers: ClinVar variation 3034486 (VCV003034486.3), dbSNP rs186551702, ClinGen allele CA9580416.